The following is an entry in ClinVar:

ClinVar aggregate classification (germline): Likely benign. Review status: criteria provided, multiple submitters, no conflicts (2 of 4 stars). 3 submissions from 3 submitters: Likely benign (3). Last evaluated 2026-05-01.

Allele frequency attached by ClinVar (database versions not stated): TOPMed 0.00006; gnomAD 0.00011; 1000 Genomes Project 30x 0.00016; ExAC 0.00026.

Submissions (3):

CeGaT Center for Human Genetics Tuebingen
Classification: Likely benign. Last evaluated: 2026-05-01. Review status: criteria provided, single submitter. Criteria: CeGaT Center For Human Genetics Tuebingen Variant Classification Criteria Version 2. Collection method: clinical testing. Allele origin: germline. Affected: yes. Observed: 2 variant alleles.
Comment: TWNK: BP4, BP7

Labcorp Genetics (formerly Invitae), Labcorp
Classification: Likely benign. Last evaluated: 2026-01-19. Review status: criteria provided, single submitter. Criteria: Invitae Variant Classification Sherloc (09022015). Collection method: clinical testing. Allele origin: germline.

Blueprint Genetics
Classification: Likely benign. Last evaluated: 2024-06-07. Review status: criteria provided, single submitter. Criteria: ACMG Guidelines, 2015. Collection method: clinical testing. Allele origin: germline.

NM_021830.5(TWNK):c.2022C>T (p.Pro674=)

Gene: TWNK (twinkle mtDNA helicase; plus strand). Cytogenetic location: 10q24.31.
Variant type: single nucleotide variant.
Coding change: c.2022C>T on transcript NM_021830.5 (MANE Select); coding-DNA position 2022, C replaced by T.
Protein change: p.Pro674=; no amino-acid change (proline 674 retained).
Molecular consequence: synonymous variant. On other transcripts: 3 prime UTR variant (2), non-coding transcript variant (5).
Genome position (GRCh38, 1-based): chr10:100,993,477, C>T. VCF-style: chr10-100993477-C-T. GRCh37 (hg19) VCF-style: chr10-102753234-C-T.
Other names: c.*317C>T (NM_001163812.2, NM_001163814.2); c.660C>T, p.Pro220= (NM_001163813.2, NM_001368275.1).
Identifiers: ClinVar variation 2191652 (VCV002191652.9), dbSNP rs373741697, ClinGen allele CA5653389.